The following is an entry in ClinVar:

NM_005027.4(PIK3R2):c.2003G>C (p.Cys668Ser)

Gene: PIK3R2 (phosphoinositide-3-kinase regulatory subunit 2; plus strand). Cytogenetic location: 19p13.11.
Variant type: single nucleotide variant.
Coding change: c.2003G>C on transcript NM_005027.4 (MANE Select); coding-DNA position 2003, G replaced by C.
Protein change: p.Cys668Ser; replaces cysteine 668 with serine.
Molecular consequence: missense variant. On other transcripts: non-coding transcript variant (2).
Genome position (GRCh38, 1-based): chr19:18,169,110, G>C. VCF-style: chr19-18169110-G-C. GRCh37 (hg19) VCF-style: chr19-18279920-G-C.
Other names: short protein forms C668S.
Identifiers: ClinVar variation 4974979 (VCV004974979.1).

ClinVar aggregate classification (germline): Uncertain significance (1 of 4 stars; one submission).

Conditions:
Megalencephaly-polymicrogyria-polydactyly-hydrocephalus syndrome 1 (MPPH1). Also called: MEGALENCEPHALY, MEGA CORPUS CALLOSUM, AND COMPLETE LACK OF MOTOR DEVELOPMENT; MEGALENCEPHALY, POLYMICROGYRIA, MEGA CORPUS CALLOSUM SYNDROME. Identifiers: Orphanet 83473, MedGen C4012727, MONDO:0011313, OMIM 603387.

gnomAD v4.1: 2 of 1,611,664 alleles (0.00012%); highest among the groups gnomAD compares: Non-Finnish European, 0.00017%; no homozygotes.

Submission:

Diagnostics Services (NGS), CSIR - Centre For Cellular And Molecular Biology
Classification: Uncertain significance for Megalencephaly-polymicrogyria-polydactyly-hydrocephalus syndrome 1. Last evaluated: 2026-09-01. Review status: criteria provided, single submitter. Criteria: ACMG Guidelines, 2015. Collection method: clinical testing. Allele origin: germline. Observed: 1 variant allele, 1 heterozygote.
Comment: The c.2003G>C variant is not present in publicly available population databases like 1000 Genomes, EVS, gnomAD, Indian Exome Database, GenomeIndia Database or in our internal database. This variant has neither been published in the literature for PIK3R2-related conditions nor reported to clinical databases like Human Genome Mutation Databases (HGMD), ClinVar or OMIM, in any affected individuals. In-silico pathogenicity prediction programs like SIFT, Polyphen-2, MutationTaster2, REVEL, CADD, etc predicted this variant to be likely deleterious, however these predictions were not confirmed by published functional studies.